The following is an entry in ClinVar:

ClinVar aggregate classification (germline): Conflicting classifications of pathogenicity. Review status: criteria provided, conflicting classifications (1 of 4 stars). 3 submissions from 3 submitters: Uncertain significance (1); Likely benign (2). Last evaluated 2025-10-09.

Conditions:
Primary ciliary dyskinesia. Also called: Ciliary dyskinesia. Identifiers: Orphanet 244, MedGen C0008780, MONDO:0016575, HP:0012265.
X-linked cone-rod dystrophy 1 (CORDX1). Identifiers: Orphanet 1872, MedGen C1844776, MONDO:0010566, OMIM 304020.

Allele frequency attached by ClinVar (database versions not stated): gnomAD exomes below 0.00001 and 0.00001; TOPMed 0.00001; ExAC 0.00004.
gnomAD v4.1: 3 of 1,190,067 alleles (0.00025%); highest among the groups gnomAD compares: South Asian, 0.0018%; no homozygotes.

Submissions (3):

Labcorp Genetics (formerly Invitae), Labcorp
Classification: Likely benign for Primary ciliary dyskinesia. Last evaluated: 2025-10-09. Review status: criteria provided, single submitter. Criteria: Invitae Variant Classification Sherloc (09022015). Collection method: clinical testing. Allele origin: germline.

Blueprint Genetics
Classification: Likely benign. Last evaluated: 2024-10-11. Review status: criteria provided, single submitter. Criteria: ACMG Guidelines, 2015. Collection method: clinical testing. Allele origin: germline.

Baylor Genetics
Classification: Uncertain significance for X-linked cone-rod dystrophy 1. Last evaluated: 2018-11-30. Review status: criteria provided, single submitter. Criteria: ACMG Guidelines, 2015. Collection method: clinical testing. Allele origin: maternal. Affected: yes.
Comment: This variant was determined to be of uncertain significance according to ACMG Guidelines, 2015 [PMID:25741868].

NM_001034853.2(RPGR):c.1059+9A>G

Gene: RPGR (retinitis pigmentosa GTPase regulator; minus strand). Cytogenetic location: Xp11.4.
Variant type: single nucleotide variant.
Coding change: c.1059+9A>G on transcript NM_001034853.2 (MANE Select); 9 bases into the intron after coding-DNA position 1059, A replaced by G.
Molecular consequence: intron variant.
Genome position (GRCh38, 1-based): chrX:38,301,238, T>C on the plus strand (A>G on the coding strand, the complement: RPGR is on the minus strand). VCF-style: chrX-38301238-T-C. GRCh37 (hg19) VCF-style: chrX-38160491-T-C.
Other names: c.1056+9A>G (NM_001367249.1, NM_001367250.1, NM_001367245.1); c.1059+9A>G (NM_001367251.1, NM_001367246.1, NM_001367247.1 and 1 more transcripts); c.1089+9A>G (NM_001367248.1).
Identifiers: ClinVar variation 1032986 (VCV001032986.7), dbSNP rs781086486, ClinGen allele CA10385558.
Genomic context (GRCh38, chrX:38,301,238, plus strand): 5'-TCTATGAAATACTGAAAGACTCAAATACAGTAATATGAAAATATAAACAGGGAAATGTGA[T>C]GCCCTTACCAATTTAACTATAAACCTCAAAAAATTAGAGCACAAAGTAGGAATGAAGTGA-3'